The following is an entry in ClinVar:

NM_052947.4(ALPK2):c.5179G>A (p.Val1727Ile)

Genes: ALPK2 (alpha kinase 2; minus strand), LOC130062577 (ATAC-STARR-seq lymphoblastoid active region 13389; plus strand). Cytogenetic location: 18q21.31.
Variant type: single nucleotide variant.
Coding change: c.5179G>A on transcript NM_052947.4 (MANE Select); coding-DNA position 5179, G replaced by A.
Protein change: p.Val1727Ile; replaces valine 1727 with isoleucine.
Molecular consequence: missense variant.
Genome position (GRCh38, 1-based): chr18:58,535,008, C>T on the plus strand (G>A on the coding strand, the complement: ALPK2 is on the minus strand). VCF-style: chr18-58535008-C-T. GRCh37 (hg19) VCF-style: chr18-56202240-C-T.
Other names: short protein forms V1727I.
Identifiers: ClinVar variation 3288851 (VCV003288851.1).

ClinVar aggregate classification (germline): Uncertain significance (1 of 4 stars; one submission).

gnomAD v4.1: 2 of 1,614,150 alleles (0.00012%); highest among the groups gnomAD compares: South Asian, 0.0011%; no homozygotes.

Submission:

Ambry Genetics
Classification: Uncertain significance. Last evaluated: 2024-05-17. Review status: criteria provided, single submitter. Criteria: Ambry Variant Classification Scheme 2023. Collection method: clinical testing. Allele origin: germline.
Comment: The p.V1727I variant (also known as c.5179G>A), located in coding exon 4 of the ALPK2 gene, results from a G to A substitution at nucleotide position 5179. The valine at codon 1727 is replaced by isoleucine, an amino acid with highly similar properties. This amino acid position is conserved. In addition, this alteration is predicted to be tolerated by in silico analysis. Based on the available evidence, the clinical significance of this variant remains unclear.